The following is an entry in ClinVar:

NM_001451.3(FOXF1):c.1004C>T (p.Ser335Leu)

Gene: FOXF1 (forkhead box F1; plus strand). Cytogenetic location: 16q24.1.
Variant type: single nucleotide variant.
Coding change: c.1004C>T on transcript NM_001451.3 (MANE Select); coding-DNA position 1004, C replaced by T.
Protein change: p.Ser335Leu; replaces serine 335 with leucine.
Molecular consequence: missense variant.
Genome position (GRCh38, 1-based): chr16:86,512,949, C>T. VCF-style: chr16-86512949-C-T. GRCh37 (hg19) VCF-style: chr16-86546555-C-T.
Other names: short protein forms S335L.
Identifiers: ClinVar variation 4702844 (VCV004702844.1).
Genomic context (GRCh38, chr16:86,512,949, plus strand): 5'-TGCTCCCCCAACCCCTCCTGTCGCCTCGCCTTGCAGGCATCCCGCGGTATCACTCGCAGT[C>T]GCCCAGCATGTGTGACCGAAAGGAGTTTGTCTTCTCTTTCAACGCCATGGCGTCCTCTTC-3'
Protein context (NP_001442.2, residues 325-345): LQGIPRYHSQ[Ser335Leu]PSMCDRKEFV

ClinVar aggregate classification (germline): Uncertain significance (1 of 4 stars; one submission).

gnomAD v4.1: 8 of 1,614,046 alleles (0.0005%); highest among the groups gnomAD compares: Non-Finnish European, 0.00068%; no homozygotes.

Submission:

Labcorp Genetics (formerly Invitae), Labcorp
Classification: Uncertain significance. Last evaluated: 2025-08-24. Review status: criteria provided, single submitter. Criteria: Invitae Variant Classification Sherloc (09022015). Collection method: clinical testing. Allele origin: germline.
Comment: This sequence change replaces serine, which is neutral and polar, with leucine, which is neutral and non-polar, at codon 335 of the FOXF1 protein (p.Ser335Leu). This variant is present in population databases (no rsID available, gnomAD 0.007%). This variant has not been reported in the literature in individuals affected with FOXF1-related conditions. Invitae Evidence Modeling of protein sequence and biophysical properties (such as structural, functional, and spatial information, amino acid conservation, physicochemical variation, residue mobility, and thermodynamic stability) indicates that this missense variant is not expected to disrupt FOXF1 protein function with a negative predictive value of 80%. In summary, the available evidence is currently insufficient to determine the role of this variant in disease. Therefore, it has been classified as a Variant of Uncertain Significance.